The following is an entry in ClinVar:

ClinVar aggregate classification (germline): Conflicting classifications of pathogenicity. Review status: criteria provided, conflicting classifications (1 of 4 stars). 2 submissions from 2 submitters: Pathogenic (1); Uncertain significance (1). Last evaluated 2025-02-03.

Submissions (2):

GeneDx
Classification: Uncertain significance. Last evaluated: 2025-02-03. Review status: criteria provided, single submitter. Criteria: GeneDx Variant Classification Process June 2021. Collection method: clinical testing. Allele origin: germline. Affected: yes.
Comment: Frameshift variant predicted to result in protein truncation or nonsense mediated decay in a gene or region of a gene for which loss of function is not a well-established mechanism of disease; Has not been previously published as pathogenic or benign to our knowledge

Labcorp Genetics (formerly Invitae), Labcorp
Classification: Pathogenic. Last evaluated: 2022-10-03. Review status: criteria provided, single submitter. Criteria: Invitae Variant Classification Sherloc (09022015). Collection method: clinical testing. Allele origin: germline.
Comment: This sequence change creates a premature translational stop signal (p.Asp699Thrfs*36) in the HK1 gene. It is expected to result in an absent or disrupted protein product. Loss-of-function variants in HK1 are known to be pathogenic (PMID: 11783948, 12211198, 31119733). For these reasons, this variant has been classified as Pathogenic. ClinVar contains an entry for this variant (Variation ID: 1470958). This variant has not been reported in the literature in individuals affected with HK1-related conditions. This variant is present in population databases (no rsID available, gnomAD 0.007%).

Literature cited by the submitters: PubMed 11783948 (cited by Labcorp Genetics (formerly Invitae), Labcorp); PubMed 12211198 (cited by Labcorp Genetics (formerly Invitae), Labcorp); PubMed 31119733 (cited by Labcorp Genetics (formerly Invitae), Labcorp).

NM_000188.3(HK1):c.2095del (p.Asp699fs)

Gene: HK1 (hexokinase 1; plus strand). Cytogenetic location: 10q22.1.
Variant type: Deletion.
Coding change: c.2095del on transcript NM_000188.3 (MANE Select); coding-DNA position 2095, one base deleted (G; older notation c.2095delG).
Protein change: p.Asp699fs; shifts the reading frame from aspartic acid 699.
Molecular consequence: frameshift variant.
Genome position (GRCh38, 1-based): chr10:69,392,184, G deleted; the last of 5 consecutive G bases (chr10:69,392,180-69,392,184); deleting any one gives the same sequence. VCF-style (leftmost placement, unchanged base first): chr10-69392179-AG-A. GRCh37 (hg19) VCF-style: chr10-71151935-AG-A.
Other names: c.2107del, p.Asp703fs (NM_001322364.2, NM_001358263.1, NM_033497.3 and 1 more transcripts); c.2200del, p.Asp734fs (NM_001322365.2); c.2011del, p.Asp671fs (NM_001322366.1); c.1999del, p.Asp667fs (NM_001322367.1); c.2092del, p.Asp698fs (NM_033496.3); c.2059del, p.Asp687fs (NM_033500.2); c.2095del (NM_000188.2); short protein forms D699fs, D667fs, D698fs, D734fs, D671fs, D687fs, D703fs.
Identifiers: ClinVar variation 1470958 (VCV001470958.7), dbSNP rs1397953530, ClinGen allele CA593842204.